The following is an entry in ClinVar:

NM_012463.4(ATP6V0A2):c.2103G>A (p.Leu701=)

Gene: ATP6V0A2 (ATPase H+ transporting V0 subunit a2; plus strand). Cytogenetic location: 12q24.31.
Variant type: single nucleotide variant.
Coding change: c.2103G>A on transcript NM_012463.4 (MANE Select); coding-DNA position 2103, G replaced by A.
Protein change: p.Leu701=; no amino-acid change (leucine 701 retained).
Molecular consequence: synonymous variant.
Genome position (GRCh38, 1-based): chr12:123,752,330, G>A. VCF-style: chr12-123752330-G-A. GRCh37 (hg19) VCF-style: chr12-124236877-G-A.
Identifiers: ClinVar variation 4978456 (VCV004978456.1).

ClinVar aggregate classification (germline): Likely benign (1 of 4 stars; one submission).

Conditions:
ATP6V0A2-related disorder. Also called: ATP6V0A2-related condition.

Submission:

PreventionGenetics, part of Exact Sciences
Classification: Likely benign for ATP6V0A2-related condition. Last evaluated: 2026-04-14. Review status: criteria provided, single submitter. Criteria: ACMG Guidelines, 2015. Collection method: clinical testing. Allele origin: germline.
Comment: This variant is classified as likely benign based on ACMG/AMP sequence variant interpretation guidelines (Richards et al. 2015 PMID: 25741868, with internal and published modifications).